The following is an entry in ClinVar:

NM_020401.4(NUP107):c.424C>T (p.Arg142Cys)

Gene: NUP107 (nucleoporin 107; plus strand). Cytogenetic location: 12q15.
Variant type: single nucleotide variant.
Coding change: c.424C>T on transcript NM_020401.4 (MANE Select); coding-DNA position 424, C replaced by T.
Protein change: p.Arg142Cys; replaces arginine 142 with cysteine.
Molecular consequence: missense variant.
Genome position (GRCh38, 1-based): chr12:68,692,088, C>T. VCF-style: chr12-68692088-C-T. GRCh37 (hg19) VCF-style: chr12-69085868-C-T.
Other names: c.337C>T, p.Arg113Cys (NM_001330192.2); c.424C>T (NM_020401.3); short protein forms R113C, R142C.
Identifiers: ClinVar variation 2053998 (VCV002053998.4), dbSNP rs114534612, ClinGen allele CA6677408.
Genomic context (GRCh38, chr12:68,692,088, plus strand): 5'-TTCACAAACACAGAGCCCCACAGTATAACAGAAGATGTAACTATCAGTGCTGTTATGTTA[C>T]GTGAGGATGATCCTGGAGAAGCTGGTAAAATGGCATTGAGCTTTGTGACAAGTAGCTTTT-3'
Protein context (NP_065134.1, residues 132-152): EDVTISAVML[Arg142Cys]EDDPGEAASM

ClinVar aggregate classification (germline): Uncertain significance. Review status: criteria provided, single submitter (1 of 4 stars). 2 submissions from 2 submitters: Uncertain significance (1). 1 of the submissions does not count toward it. Last evaluated 2022-09-06.

Conditions:
NUP107-related disorder. Also called: NUP107-related condition.

Allele frequency attached by ClinVar (database versions not stated): ExAC 0.00023; TOPMed 0.00045; gnomAD 0.00050; 1000 Genomes Project 0.00060; 1000 Genomes Project 30x 0.00062; ESP Exome Variant Server 0.00092.
gnomAD v4.1: 173 of 1,599,422 alleles (0.011%); highest among the groups gnomAD compares: African/African-American, 0.19%; no homozygotes.

Submissions (2):

Labcorp Genetics (formerly Invitae), Labcorp
Classification: Uncertain significance. Last evaluated: 2022-09-06. Review status: criteria provided, single submitter. Criteria: Invitae Variant Classification Sherloc (09022015). Collection method: clinical testing. Allele origin: germline.
Comment: In summary, the available evidence is currently insufficient to determine the role of this variant in disease. Therefore, it has been classified as a Variant of Uncertain Significance. Algorithms developed to predict the effect of missense changes on protein structure and function are either unavailable or do not agree on the potential impact of this missense change (SIFT: "Not Available"; PolyPhen-2: "Benign"; Align-GVGD: "Not Available"). This variant has not been reported in the literature in individuals affected with NUP107-related conditions. This variant is present in population databases (rs114534612, gnomAD 0.2%). This sequence change replaces arginine, which is basic and polar, with cysteine, which is neutral and slightly polar, at codon 142 of the NUP107 protein (p.Arg142Cys).

PreventionGenetics, part of Exact Sciences
Classification: Likely benign for NUP107-related condition. Last evaluated: 2022-03-02. Review status: no assertion criteria provided. Collection method: clinical testing. Allele origin: germline. Not counted in ClinVar's aggregate classification.
Comment: This variant is classified as likely benign based on ACMG/AMP sequence variant interpretation guidelines (Richards et al. 2015 PMID: 25741868, with internal and published modifications).